The following is an entry in ClinVar:

ClinVar aggregate classification (germline): Uncertain significance. Review status: criteria provided, multiple submitters, no conflicts (2 of 4 stars). 2 submissions from 2 submitters: Uncertain significance (2). Last evaluated 2025-10-21.

Conditions:
Hereditary cancer-predisposing syndrome. Also called: Tumor predisposition; Hereditary neoplastic syndrome; Hereditary Cancer Syndrome; Neoplastic Syndromes, Hereditary. Identifiers: Orphanet 140162, MedGen C0027672, MeSH D009386, MONDO:0015356.

Allele frequency attached by ClinVar (database versions not stated): gnomAD exomes below 0.00001.
gnomAD v4.1: 1 of 1,612,722 alleles (0.000062%); highest among the groups gnomAD compares: Non-Finnish European, 0.000085%; no homozygotes.

Submissions (2):

Ambry Genetics
Classification: Uncertain significance for Hereditary cancer-predisposing syndrome. Last evaluated: 2025-10-21. Review status: criteria provided, single submitter. Criteria: Ambry Variant Classification Scheme 2023. Collection method: clinical testing. Allele origin: germline.
Comment: The p.S748T variant (also known as c.2242T>A), located in coding exon 15 of the MSH3 gene, results from a T to A substitution at nucleotide position 2242. The serine at codon 748 is replaced by threonine, an amino acid with similar properties. This amino acid position is well conserved in available vertebrate species. In addition, the in silico prediction for this alteration is inconclusive. Since supporting evidence is limited at this time, the clinical significance of this alteration remains unclear.

Labcorp Genetics (formerly Invitae), Labcorp
Classification: Uncertain significance. Last evaluated: 2025-09-05. Review status: criteria provided, single submitter. Criteria: Invitae Variant Classification Sherloc (09022015). Collection method: clinical testing. Allele origin: germline.
Comment: This sequence change replaces serine, which is neutral and polar, with threonine, which is neutral and polar, at codon 748 of the MSH3 protein (p.Ser748Thr). This variant is not present in population databases (gnomAD no frequency). This variant has not been reported in the literature in individuals affected with MSH3-related conditions. ClinVar contains an entry for this variant (Variation ID: 1051335). An algorithm developed to predict the effect of missense changes on protein structure and function (PolyPhen-2) suggests that this variant is likely to be disruptive. In summary, the available evidence is currently insufficient to determine the role of this variant in disease. Therefore, it has been classified as a Variant of Uncertain Significance.

NM_002439.5(MSH3):c.2242T>A (p.Ser748Thr)

Gene: MSH3 (mutS homolog 3; plus strand). Cytogenetic location: 5q14.1.
Variant type: single nucleotide variant.
Coding change: c.2242T>A on transcript NM_002439.5 (MANE Select); coding-DNA position 2242, T replaced by A.
Protein change: p.Ser748Thr; replaces serine 748 with threonine.
Molecular consequence: missense variant.
Genome position (GRCh38, 1-based): chr5:80,768,992, T>A. VCF-style: chr5-80768992-T-A. GRCh37 (hg19) VCF-style: chr5-80064811-T-A.
Other names: short protein forms S748T.
Identifiers: ClinVar variation 1051335 (VCV001051335.10), dbSNP rs2112885326, ClinGen allele CA360279779.